The following is an entry in ClinVar:

NM_032603.5(LOXL3):c.2174A>C (p.His725Pro)

Gene: LOXL3 (lysyl oxidase like 3; minus strand). Cytogenetic location: 2p13.1.
Variant type: single nucleotide variant.
Coding change: c.2174A>C on transcript NM_032603.5 (MANE Select); coding-DNA position 2174, A replaced by C.
Protein change: p.His725Pro; replaces histidine 725 with proline.
Molecular consequence: missense variant.
Genome position (GRCh38, 1-based): chr2:74,533,896, T>G on the plus strand (A>C on the coding strand, the complement: LOXL3 is on the minus strand). VCF-style: chr2-74533896-T-G. GRCh37 (hg19) VCF-style: chr2-74761023-T-G.
Other names: c.1739A>C, p.His580Pro (NM_001289164.3); c.1091A>C, p.His364Pro (NM_001289165.2); short protein forms H580P, H364P, H725P.
Identifiers: ClinVar variation 2701776 (VCV002701776.3), dbSNP rs2529920631, ClinGen allele CA347383996.

ClinVar aggregate classification (germline): Uncertain significance (1 of 4 stars; one submission).

Submission:

Labcorp Genetics (formerly Invitae), Labcorp
Classification: Uncertain significance. Last evaluated: 2023-12-19. Review status: criteria provided, single submitter. Criteria: Invitae Variant Classification Sherloc (09022015). Collection method: clinical testing. Allele origin: germline.
Comment: This sequence change replaces histidine, which is basic and polar, with proline, which is neutral and non-polar, at codon 725 of the LOXL3 protein (p.His725Pro). This variant is not present in population databases (gnomAD no frequency). This variant has not been reported in the literature in individuals affected with LOXL3-related conditions. An algorithm developed to predict the effect of missense changes on protein structure and function (PolyPhen-2) suggests that this variant is likely to be disruptive. In summary, the available evidence is currently insufficient to determine the role of this variant in disease. Therefore, it has been classified as a Variant of Uncertain Significance.